The following is an entry in ClinVar:

NM_020223.4(FAM20C):c.1718A>G (p.Asp573Gly)

Gene: FAM20C (FAM20C golgi associated secretory pathway kinase; plus strand). Cytogenetic location: 7p22.3.
Variant type: single nucleotide variant.
Coding change: c.1718A>G on transcript NM_020223.4 (MANE Select); coding-DNA position 1718, A replaced by G.
Protein change: p.Asp573Gly; replaces aspartic acid 573 with glycine.
Molecular consequence: missense variant.
Genome position (GRCh38, 1-based): chr7:259,943, A>G. VCF-style: chr7-259943-A-G. GRCh37 (hg19) VCF-style: chr7-299909-A-G.
Other names: short protein forms D573G.
Identifiers: ClinVar variation 4994005 (VCV004994005.1).

ClinVar aggregate classification (germline): Uncertain significance (1 of 4 stars; one submission).

Conditions:
FAM20C-related disorder. Also called: FAM20C-related condition.

gnomAD v4.1: 3 of 1,527,954 alleles (0.0002%); highest among the groups gnomAD compares: Non-Finnish European, 0.00026%; no homozygotes.

Submission:

PreventionGenetics, part of Exact Sciences
Classification: Uncertain significance for FAM20C-related condition. Last evaluated: 2026-02-11. Review status: criteria provided, single submitter. Criteria: ACMG Guidelines, 2015. Collection method: clinical testing. Allele origin: germline.
Comment: The FAM20C c.1718A>G variant is predicted to result in the amino acid substitution p.Asp573Gly. To our knowledge, this variant has not been reported in the literature. This variant is reported in 0.0018% of alleles in individuals of European (Non-Finnish) descent in gnomAD. At this time, the clinical significance of this variant is uncertain due to the absence of conclusive functional and genetic evidence.